The following is an entry in ClinVar:

ClinVar aggregate classification (germline): Uncertain significance (1 of 4 stars; one submission).

Conditions:
Severe combined immunodeficiency due to DNA-PKcs deficiency. Also called: IMMUNODEFICIENCY 26 WITH NEUROLOGIC ABNORMALITIES; Immunodeficiency 26 with or without neurologic abnormalities. Identifiers: Orphanet 317425, MedGen C4014833, MONDO:0014423, OMIM 615966.

Submission:

Labcorp Genetics (formerly Invitae), Labcorp
Classification: Uncertain significance for Severe combined immunodeficiency due to DNA-PKcs deficiency. Last evaluated: 2021-12-14. Review status: criteria provided, single submitter. Criteria: Invitae Variant Classification Sherloc (09022015). Collection method: clinical testing. Allele origin: germline.
Comment: This variant is not present in population databases (gnomAD no frequency). This sequence change replaces leucine, which is neutral and non-polar, with arginine, which is basic and polar, at codon 2976 of the PRKDC protein (p.Leu2976Arg). This variant has not been reported in the literature in individuals affected with PRKDC-related conditions. In summary, the available evidence is currently insufficient to determine the role of this variant in disease. Therefore, it has been classified as a Variant of Uncertain Significance. Experimental studies and prediction algorithms are not available or were not evaluated, and the functional significance of this variant is currently unknown.

NM_006904.7(PRKDC):c.8927T>G (p.Leu2976Arg)

Gene: PRKDC (protein kinase, DNA-activated, catalytic subunit; minus strand). Cytogenetic location: 8q11.21.
Variant type: single nucleotide variant.
Coding change: c.8927T>G on transcript NM_006904.7 (MANE Select); coding-DNA position 8927, T replaced by G.
Protein change: p.Leu2976Arg; replaces leucine 2976 with arginine.
Molecular consequence: missense variant.
Genome position (GRCh38, 1-based): chr8:47,821,788, A>C on the plus strand (T>G on the coding strand, the complement: PRKDC is on the minus strand). VCF-style: chr8-47821788-A-C. GRCh37 (hg19) VCF-style: chr8-48734349-A-C.
Other names: c.8927T>G, p.Leu2976Arg (NM_001081640.2); short protein forms L2976R.
Identifiers: ClinVar variation 2041416 (VCV002041416.4), dbSNP rs2551865605, ClinGen allele CA371141210.